The following is an entry in ClinVar:

ClinVar aggregate classification (germline): Likely pathogenic (1 of 4 stars; one submission).

Submission:

Labcorp Genetics (formerly Invitae), Labcorp
Classification: Likely pathogenic. Last evaluated: 2022-10-27. Review status: criteria provided, single submitter. Criteria: Invitae Variant Classification Sherloc (09022015). Collection method: clinical testing. Allele origin: unknown.
Comment: In summary, the currently available evidence indicates that the variant is pathogenic, but additional data are needed to prove that conclusively. Therefore, this variant has been classified as Likely Pathogenic. This variant has not been reported in the literature in individuals affected with ERCC6-related conditions. This variant results in the deletion of part of exon 6 (c.1398-2217_1472del) of the ERCC6 gene. It is expected to disrupt RNA splicing. Variants that disrupt the donor or acceptor splice site typically lead to a loss of protein function (PMID: 16199547), and loss-of-function variants in ERCC6 are known to be pathogenic (PMID: 18628313, 29572252).

Literature cited by the submitters: PubMed 16199547; PubMed 18628313; PubMed 29572252.

NC_000010.10:g.(?_50713984)_(50716275_?)del

Gene: ERCC6 (ERCC excision repair 6, chromatin remodeling factor; minus strand). Cytogenetic location: 10q11.23.
Variant type: Deletion.
Identifiers: ClinVar variation 3244932 (VCV003244932.1).